The following is an entry in ClinVar:

ClinVar aggregate classification (germline): Pathogenic (1 of 4 stars; one submission).

Conditions:
Developmental delay, impaired speech, and behavioral abnormalities, with or without seizures (DEDISB). Identifiers: MedGen C5575272, MONDO:0859263, OMIM 619964.

Submission:

Women's Health and Genetics/Laboratory Corporation of America, LabCorp
Classification: Pathogenic for Developmental delay, impaired speech, and behavioral abnormalities, with or without seizures. Last evaluated: 2023-05-25. Review status: criteria provided, single submitter. Criteria: LabCorp Variant Classification Summary - May 2015. Collection method: clinical testing. Allele origin: germline.
Comment: Variant summary: The variant identified by MLPA or other technology involves the deletion of exons 1-39 (i.e., the full coding sequence) in the ARFGEF1 gene, a gene for which loss-of-function is a known mechanism of disease. A presumed nomenclature of c.(?_-391)_(*1286_?)del has been designated for the purposes of this classification. Since exact breakpoints of this deletion are not known, it might extend beyond the assayed region of the ASPA gene, including other flanking genes. The variant was absent in 21694 control chromosomes (gnomAD Structural Variants dataset). To our knowledge, no occurrence of c.(?_-391)_(*1286_?)del in individuals affected with Developmental Delay, Impaired Speech, And Behavioral Abnormalities, With Or Without Seizures and no experimental evidence demonstrating its impact on protein function have been reported. No clinical diagnostic laboratories have submitted clinical-significance assessments for this variant to ClinVar after 2014. Based on the evidence outlined above, the variant was classified as pathogenic.

NC_000008.10:g.(?_68109883)_(68255913_?)del

Gene: ARFGEF1 (ADP ribosylation factor guanine nucleotide exchange factor 1; minus strand). Cytogenetic location: 8q13.2.
Variant type: Deletion.
Identifiers: ClinVar variation 2506326 (VCV002506326.1).